The following is an entry in ClinVar:

NM_001166108.2(PALLD):c.1965-13018G>A

Gene: PALLD (palladin, cytoskeletal associated protein; plus strand). Cytogenetic location: 4q32.3.
Variant type: single nucleotide variant.
Coding change: c.1965-13018G>A on transcript NM_001166108.2 (MANE Select); 13018 bases into the intron before coding-DNA position 1965, G replaced by A.
Molecular consequence: intron variant. On other transcripts: missense variant (1).
Genome position (GRCh38, 1-based): chr4:168,877,904, G>A. VCF-style: chr4-168877904-G-A. GRCh37 (hg19) VCF-style: chr4-169799055-G-A.
Other names: c.13G>A (NM_001166110.1); c.13G>A, p.Ala5Thr (NM_001166110.2); c.1965-13018G>A (NM_016081.4); c.819-13018G>A (NM_001166109.2); c.-157-13018G>A (NM_001367570.1, NM_001367568.1, NM_001367567.1 and 1 more transcripts); short protein forms A5T.
Identifiers: ClinVar variation 3729943 (VCV003729943.3).

ClinVar aggregate classification (germline): Uncertain significance. Review status: criteria provided, multiple submitters, no conflicts (2 of 4 stars). 2 submissions from 2 submitters: Uncertain significance (2). Last evaluated 2024-12-22.

Conditions:
Pancreatic adenocarcinoma. Identifiers: MedGen C0281361, MONDO:0006047, HP:0006725.

Submissions (2):

Ambry Genetics
Classification: Uncertain significance. Last evaluated: 2024-12-22. Review status: criteria provided, single submitter. Criteria: Ambry Variant Classification Scheme 2023. Collection method: clinical testing. Allele origin: germline.
Comment: The p.A5T variant (also known as c.13G>A), located in coding exon 1 of the PALLD gene, results from a G to A substitution at nucleotide position 13. The alanine at codon 5 is replaced by threonine, an amino acid with similar properties. This amino acid position is conserved. In addition, this alteration is predicted to be tolerated by in silico analysis. Based on the available evidence, the clinical significance of this variant remains unclear.

Labcorp Genetics (formerly Invitae), Labcorp
Classification: Uncertain significance for Pancreatic adenocarcinoma. Last evaluated: 2024-05-28. Review status: criteria provided, single submitter. Criteria: Invitae Variant Classification Sherloc (09022015). Collection method: clinical testing. Allele origin: germline.
Comment: This sequence change replaces alanine, which is neutral and non-polar, with threonine, which is neutral and polar, at codon 5 of the PALLD protein (p.Ala5Thr). This variant is not present in population databases (gnomAD no frequency). This variant has not been reported in the literature in individuals affected with PALLD-related conditions. An algorithm developed to predict the effect of missense changes on protein structure and function (PolyPhen-2) suggests that this variant is likely to be tolerated. In summary, the available evidence is currently insufficient to determine the role of this variant in disease. Therefore, it has been classified as a Variant of Uncertain Significance.